The following is an entry in ClinVar:

ClinVar aggregate classification (germline): Likely benign. Review status: criteria provided, multiple submitters, no conflicts (2 of 4 stars). 4 submissions from 4 submitters: Likely benign (4). Last evaluated 2026-02-01.

Conditions:
Beckwith-Wiedemann syndrome (BWS). Also called: EMG SYNDROME; Exomphalos macroglossia gigantism syndrome. Identifiers: Orphanet 116, MedGen C0004903, MONDO:0007534, OMIM 130650.

Submissions (4):

CeGaT Center for Human Genetics Tuebingen
Classification: Likely benign. Last evaluated: 2026-02-01. Review status: criteria provided, single submitter. Criteria: CeGaT Center For Human Genetics Tuebingen Variant Classification Criteria Version 2. Collection method: clinical testing. Allele origin: germline. Affected: yes. Observed: 1 variant allele.
Comment: CDKN1C: BP3, BS2

Labcorp Genetics (formerly Invitae), Labcorp
Classification: Likely benign for Beckwith-Wiedemann syndrome. Last evaluated: 2025-11-18. Review status: criteria provided, single submitter. Criteria: Invitae Variant Classification Sherloc (09022015). Collection method: clinical testing. Allele origin: germline.

Blueprint Genetics
Classification: Likely benign. Last evaluated: 2024-09-16. Review status: criteria provided, single submitter. Criteria: ACMG Guidelines, 2015. Collection method: clinical testing. Allele origin: germline.

Sema4
Classification: Likely benign for Beckwith-Wiedemann syndrome. Last evaluated: 2020-09-21. Review status: criteria provided, single submitter. Criteria: Sema4 Curation Guidelines. Collection method: curation. Allele origin: germline.

NM_001122630.2(CDKN1C):c.587_616del (p.186_187AP[5])

Gene: CDKN1C (cyclin dependent kinase inhibitor 1C; minus strand). Cytogenetic location: 11p15.4.
Variant type: Deletion.
Coding change: c.587_616del on transcript NM_001122630.2 (MANE Select); coding-DNA positions 587 to 616, 30 bases deleted (CCCCGGCCCCCGCCCCGGCCCCGGCCCCGG).
Protein change: p.186_187AP[5].
Molecular consequence: inframe deletion. On other transcripts: intron variant (1).
Genome position (GRCh38, 1-based): chr11:2,884,841-2,884,870, CCGGGGCCGGGGCCGGGGCGGGGGCCGGGG deleted on the plus strand (CCCCGGCCCCCGCCCCGGCCCCGGCCCCGG on the coding strand, the reverse complement: CDKN1C is on the minus strand); deleting any 30 consecutive bases within chr11:2,884,841-2,884,889 gives the same sequence; the c. name uses the placement nearest the transcript's 3' end. VCF-style (leftmost placement, unchanged base first): chr11-2884840-TCCGGGGCCGGGGCCGGGGCGGGGGCCGGGG-T. GRCh37 (hg19) VCF-style: chr11-2906070-TCCGGGGCCGGGGCCGGGGCGGGGGCCGGGG-T.
Other names: c.620_649del, p.197_198AP[5] (LRG_533t1, NM_000076.2, NM_001362474.2); c.587_616del, p.186_187AP[5] (NM_001122631.2); c.255+332_255+361del (NM_001362475.2); c.620_649delCCCCGGCCCCCGCCCCGGCCCCGGCCCCGG (NM_000076.2).
Identifiers: ClinVar variation 236966 (VCV000236966.17), dbSNP rs878853638, ClinGen allele CA10582891.